The following is an entry in ClinVar:

ClinVar aggregate classification (germline): Uncertain significance. Review status: criteria provided, multiple submitters, no conflicts (2 of 4 stars). 2 submissions from 2 submitters: Uncertain significance (2). Last evaluated 2025-08-04.

Conditions:
Inborn genetic diseases. Identifiers: MedGen C0950123, MeSH D030342.

gnomAD v4.1: 1 of 1,614,232 alleles (0.000062%); highest among the groups gnomAD compares: Non-Finnish European, 0.000085%; no homozygotes.

Submissions (2):

Labcorp Genetics (formerly Invitae), Labcorp
Classification: Uncertain significance. Last evaluated: 2025-08-04. Review status: criteria provided, single submitter. Criteria: Invitae Variant Classification Sherloc (09022015). Collection method: clinical testing. Allele origin: germline.
Comment: This sequence change replaces proline, which is neutral and non-polar, with glutamine, which is neutral and polar, at codon 418 of the SH3PXD2B protein (p.Pro418Gln). This variant is present in population databases (rs369606134, gnomAD 0.0009%). This variant has not been reported in the literature in individuals affected with SH3PXD2B-related conditions. ClinVar contains an entry for this variant (Variation ID: 2127325). An algorithm developed to predict the effect of missense changes on protein structure and function (PolyPhen-2) suggests that this variant is likely to be disruptive. In summary, the available evidence is currently insufficient to determine the role of this variant in disease. Therefore, it has been classified as a Variant of Uncertain Significance.

Ambry Genetics
Classification: Uncertain significance for Inborn genetic diseases. Last evaluated: 2025-03-27. Review status: criteria provided, single submitter. Criteria: Ambry Variant Classification Scheme 2023. Collection method: clinical testing. Allele origin: germline.

NM_001017995.3(SH3PXD2B):c.1253C>A (p.Pro418Gln)

Gene: SH3PXD2B (SH3 and PX domains 2B; minus strand). Cytogenetic location: 5q35.1.
Variant type: single nucleotide variant.
Coding change: c.1253C>A on transcript NM_001017995.3 (MANE Select); coding-DNA position 1253, C replaced by A.
Protein change: p.Pro418Gln; replaces proline 418 with glutamine.
Molecular consequence: missense variant. On other transcripts: intron variant (1).
Genome position (GRCh38, 1-based): chr5:172,339,852, G>T on the plus strand (C>A on the coding strand, the complement: SH3PXD2B is on the minus strand). VCF-style: chr5-172339852-G-T. GRCh37 (hg19) VCF-style: chr5-171766856-G-T.
Other names: c.1253C>A (NM_001017995.2); c.1188+6284C>A (NM_001308175.2); short protein forms P418Q.
Identifiers: ClinVar variation 2127325 (VCV002127325.5), dbSNP rs369606134, ClinGen allele CA3561235.
Genomic context (GRCh38, chr5:172,339,852, plus strand): 5'-GCCAGAAAGTTGGGTCTCGACGCGTTGCTCGTCTTCTTGTACTTGTCAATGAAGGTGGCC[G>T]GGGCCCACCCTTCCTTATCTTCAATCTGAATGTACCACCAGCCACTCAAGTTTTTCTCGA-3'
Protein context (NP_001017995.1, residues 408-428): IQIEDKEGWA[Pro418Gln]ATFIDKYKKT